The following is an entry in ClinVar:

NM_003795.6(SNX3):c.96T>C (p.Asp32=)

Gene: SNX3 (sorting nexin 3; minus strand). Cytogenetic location: 6q21.
Variant type: single nucleotide variant.
Coding change: c.96T>C on transcript NM_003795.6 (MANE Select); coding-DNA position 96, T replaced by C.
Protein change: p.Asp32=; no amino-acid change (aspartic acid 32 retained).
Molecular consequence: synonymous variant.
Genome position (GRCh38, 1-based): chr6:108,260,826, A>G on the plus strand (T>C on the coding strand, the complement: SNX3 is on the minus strand). VCF-style: chr6-108260826-A-G. GRCh37 (hg19) VCF-style: chr6-108582030-A-G.
Other names: c.96T>C, p.Asp32= (NM_001300928.2, NM_001300929.2, NM_152827.4).
Identifiers: ClinVar variation 3031721 (VCV003031721.2), dbSNP rs200000582, ClinGen allele CA3948586.

ClinVar aggregate classification (germline): Likely benign (0 of 4 stars; one submission).

Conditions:
SNX3-related disorder. Also called: SNX3-related condition.

Allele frequency attached by ClinVar (database versions not stated): gnomAD 0.00011; ExAC 0.00036; 1000 Genomes Project 30x 0.00047; 1000 Genomes Project 0.00060.
gnomAD v4.1: 166 of 1,613,744 alleles (0.01%); highest among the groups gnomAD compares: East Asian, 0.36%; no homozygotes.

Submission:

PreventionGenetics, part of Exact Sciences
Classification: Likely benign for SNX3-related condition. Last evaluated: 2021-01-14. Review status: no assertion criteria provided. Collection method: clinical testing. Allele origin: germline.
Comment: This variant is classified as likely benign based on ACMG/AMP sequence variant interpretation guidelines (Richards et al. 2015 PMID: 25741868, with internal and published modifications).